The following is an entry in ClinVar:

ClinVar aggregate classification (germline): Conflicting classifications of pathogenicity. Review status: criteria provided, conflicting classifications (1 of 4 stars). 10 submissions from 10 submitters: Uncertain significance (1); Benign (3); Likely benign (4). 2 of the submissions do not count toward it. Last evaluated 2026-02-03.

Conditions:
MET-related disorder. Also called: MET-related condition.
Renal cell carcinoma. Identifiers: Orphanet 217071, MedGen C0007134, MeSH D002292, MONDO:0005086, HP:0005584.
Hereditary cancer-predisposing syndrome. Also called: Hereditary Cancer Syndrome; Neoplastic Syndromes, Hereditary; Hereditary neoplastic syndrome; Tumor predisposition. Identifiers: Orphanet 140162, MedGen C0027672, MeSH D009386, MONDO:0015356.
Papillary renal cell carcinoma type 1 (RCCP1). Also called: Renal adenocarcinoma; Renal cell carcinoma 1; Renal cell carcinoma, somatic; RENAL CELL CARCINOMA, PAPILLARY, 1, SOMATIC. Identifiers: Orphanet 47044, MedGen C1336839, OMIM 605074, HP:0011797.
Hepatoblastoma. Identifiers: Orphanet 449, MedGen C0206624, MONDO:0018666, HP:0002884.

Allele frequency attached by ClinVar (database versions not stated): gnomAD exomes 0.00016 and 0.00050; ExAC 0.00062; TOPMed 0.00178; gnomAD 0.00179 and 0.00188; ESP Exome Variant Server 0.00238; 1000 Genomes Project 0.00280; 1000 Genomes Project 30x 0.00328.
gnomAD v4.1: 522 of 1,613,998 alleles (0.032%); highest among the groups gnomAD compares: African/African-American, 0.61%; 2 homozygotes.

Submissions (10):

Labcorp Genetics (formerly Invitae), Labcorp
Classification: Benign for Renal cell carcinoma. Last evaluated: 2026-02-03. Review status: criteria provided, single submitter. Criteria: Invitae Variant Classification Sherloc (09022015). Collection method: clinical testing. Allele origin: germline.

Center for Genomic Medicine, Rigshospitalet, Copenhagen University Hospital
Classification: Uncertain significance. Last evaluated: 2025-03-04. Review status: criteria provided, single submitter. Criteria: ACMG Guidelines, 2015. Collection method: clinical testing. Allele origin: germline.

Women's Health and Genetics/Laboratory Corporation of America, LabCorp
Classification: Benign. Last evaluated: 2021-07-19. Review status: criteria provided, single submitter. Criteria: LabCorp Variant Classification Summary - May 2015. Collection method: clinical testing. Allele origin: germline.
Comment: Variant summary: MET c.1715G>A (p.Ser572Asn) results in a conservative amino acid change located in the IPT domain (IPR002909) of the encoded protein sequence. Three of five in-silico tools predict a damaging effect of the variant on protein function. The variant allele was found at a frequency of 0.0005 in 249370 control chromosomes. The observed variant frequency is approximately 334 fold of the estimated maximal expected allele frequency for a pathogenic variant in MET causing Papillary Renal Cell Carcinoma phenotype (1.5e-06), strongly suggesting that the variant is benign. To our knowledge, no occurrence of c.1715G>A in individuals affected with Papillary Renal Cell Carcinoma and no experimental evidence demonstrating its impact on protein function have been reported. Five clinical diagnostic laboratories have submitted clinical-significance assessments for this variant to ClinVar after 2014 without evidence for independent evaluation. All laboratories classified the variant as benign (n=2)/likely benign (n=3). Based on the evidence outlined above, the variant was classified as benign.

Sema4
Classification: Likely benign for Hereditary cancer-predisposing syndrome. Last evaluated: 2021-04-23. Review status: criteria provided, single submitter. Criteria: Sema4 Curation Guidelines. Collection method: curation. Allele origin: germline.

Mendelics
Classification: Likely benign for Papillary renal cell carcinoma type 1. Last evaluated: 2019-05-28. Review status: criteria provided, single submitter. Criteria: Mendelics Assertion Criteria 2017. Collection method: clinical testing. Allele origin: unknown.

Ambry Genetics
Classification: Likely benign for Hereditary cancer-predisposing syndrome. Last evaluated: 2018-06-20. Review status: criteria provided, single submitter. Criteria: Ambry Variant Classification Scheme 2023. Collection method: clinical testing. Allele origin: germline.

GeneDx
Classification: Likely benign. Last evaluated: 2018-02-01. Review status: criteria provided, single submitter. Criteria: GeneDx Variant Classification (06012015). Collection method: clinical testing. Allele origin: germline. Affected: yes.
Comment: This variant is considered likely benign or benign based on one or more of the following criteria: it is a conservative change, it occurs at a poorly conserved position in the protein, it is predicted to be benign by multiple in silico algorithms, and/or has population frequency not consistent with disease.

Illumina Laboratory Services, Illumina
Classification: Benign for Papillary renal cell carcinoma type 1. Last evaluated: 2018-01-12. Review status: criteria provided, single submitter. Criteria: ICSL Variant Classification Criteria 13 December 2019. Collection method: clinical testing. Allele origin: germline.
Comment: This variant was observed in the ICSL laboratory as part of a predisposition screen in an ostensibly healthy population. It had not been previously curated by ICSL or reported in the Human Gene Mutation Database (HGMD: prior to June 1st, 2018), and was therefore a candidate for classification through an automated scoring system. Utilizing variant allele frequency, disease prevalence and penetrance estimates, and inheritance mode, an automated score was calculated to assess if this variant is too frequent to cause the disease. Based on the score and internal cut-off values, a variant classified as benign is not then subjected to further curation. The score for this variant resulted in a classification of benign for this disease.

PreventionGenetics, part of Exact Sciences
Classification: Likely benign for MET-related condition. Last evaluated: 2019-06-02. Review status: no assertion criteria provided. Collection method: clinical testing. Allele origin: germline. Not counted in ClinVar's aggregate classification.
Comment: This variant is classified as likely benign based on ACMG/AMP sequence variant interpretation guidelines (Richards et al. 2015 PMID: 25741868, with internal and published modifications).

Molecular Oncology -  Human Genetics Lab, University of Sao Paulo
Classification: Uncertain significance for Hepatoblastoma. Review status: no assertion criteria provided. Collection method: research. Allele origin: germline. Affected: yes. Not counted in ClinVar's aggregate classification.

Literature cited by the submitters: PubMed 27666373 (cited by Ambry Genetics).

NM_000245.4(MET):c.1715G>A (p.Ser572Asn)

Gene: MET (MET proto-oncogene, receptor tyrosine kinase; plus strand). Cytogenetic location: 7q31.2.
Variant type: single nucleotide variant.
Coding change: c.1715G>A on transcript NM_000245.4 (MANE Select); coding-DNA position 1715, G replaced by A.
Protein change: p.Ser572Asn; replaces serine 572 with asparagine.
Molecular consequence: missense variant.
Genome position (GRCh38, 1-based): chr7:116,755,368, G>A. VCF-style: chr7-116755368-G-A. GRCh37 (hg19) VCF-style: chr7-116395422-G-A.
Other names: c.1715G>A, p.Ser572Asn (NM_001127500.3, NM_001324401.3); c.425G>A, p.Ser142Asn (NM_001324402.2); short protein forms S572N, S142N.
Identifiers: ClinVar variation 188358 (VCV000188358.27), dbSNP rs199771406, ClinGen allele CA334713.